The following is an entry in ClinVar:

ClinVar aggregate classification (germline): Uncertain significance (1 of 4 stars; one submission).

Submission:

GeneDx
Classification: Uncertain significance. Last evaluated: 2024-11-01. Review status: criteria provided, single submitter. Criteria: GeneDx Variant Classification Process June 2021. Collection method: clinical testing. Allele origin: germline. Affected: yes.
Comment: In silico analysis indicates that this missense variant does not alter protein structure/function; Has not been previously published as pathogenic or benign to our knowledge

NM_025077.4(TOE1):c.498T>G (p.Asp166Glu)

Gene: TOE1 (target of EGR1, exonuclease; plus strand). Cytogenetic location: 1p34.1.
Variant type: single nucleotide variant.
Coding change: c.498T>G on transcript NM_025077.4 (MANE Select); coding-DNA position 498, T replaced by G.
Protein change: p.Asp166Glu; replaces aspartic acid 166 with glutamic acid.
Molecular consequence: missense variant.
Genome position (GRCh38, 1-based): chr1:45,342,389, T>G. VCF-style: chr1-45342389-T-G. GRCh37 (hg19) VCF-style: chr1-45808061-T-G.
Other names: short protein forms D166E.
Identifiers: ClinVar variation 3897197 (VCV003897197.1).